The following is an entry in ClinVar:

NM_017780.4(CHD7):c.8413G>A (p.Gly2805Ser)

Gene: CHD7 (chromodomain helicase DNA binding protein 7; plus strand). Cytogenetic location: 8q12.2.
Variant type: single nucleotide variant.
Coding change: c.8413G>A on transcript NM_017780.4 (MANE Select); coding-DNA position 8413, G replaced by A.
Protein change: p.Gly2805Ser; replaces glycine 2805 with serine.
Molecular consequence: missense variant.
Genome position (GRCh38, 1-based): chr8:60,865,352, G>A. VCF-style: chr8-60865352-G-A. GRCh37 (hg19) VCF-style: chr8-61777911-G-A.
Other names: c.2266G>A, p.Gly756Ser (NM_001316690.1); short protein forms G756S, G2805S.
Identifiers: ClinVar variation 639332 (VCV000639332.13), dbSNP rs759567393, ClinGen allele CA4761008.

ClinVar aggregate classification (germline): Conflicting classifications of pathogenicity. Review status: criteria provided, conflicting classifications (1 of 4 stars). 4 submissions from 4 submitters: Uncertain significance (3); Likely benign (1). Last evaluated 2026-02-24.

Conditions:
CHARGE syndrome (CHARGE). Also called: Coloboma, heart anomaly, choanal atresia, retardation, genital and ear anomalies; CHARGE association; Hall-Hittner syndrome; Hittner Hirsch Kreh syndrome; CHARGE ASSOCIATION--COLOBOMA, HEART ANOMALY, CHOANAL ATRESIA, RETARDATION, GENITAL AND EAR ANOMALIES. Identifiers: Orphanet 138, MedGen C0265354, MONDO:0008965.
Hypogonadotropic hypogonadism 5 with or without anosmia (KAL5). Also called: HYPOGONADOTROPIC HYPOGONADISM 5 WITH ANOSMIA; HYPOGONADOTROPHIC HYPOGONADISM 5 WITHOUT ANOSMIA; CHD7-Related GnRH Deficiency (Kallmann Syndrome 5). Identifiers: Orphanet 478, MedGen C3552553, MONDO:0012880, OMIM 612370. Disease mechanism: loss of function.
CHD7-related disorder. Also called: CHD7-related condition.
Inborn genetic diseases. Identifiers: MedGen C0950123, MeSH D030342.

Allele frequency attached by ClinVar (database versions not stated): gnomAD 0.00001; gnomAD exomes 0.00001; TOPMed 0.00001; ExAC 0.00002.
gnomAD v4.1: 13 of 1,611,252 alleles (0.00081%); highest among the groups gnomAD compares: Non-Finnish European, 0.0011%; no homozygotes.

Submissions (4):

PreventionGenetics, part of Exact Sciences
Classification: Uncertain significance for CHD7-related condition. Last evaluated: 2026-02-24. Review status: criteria provided, single submitter. Criteria: ACMG Guidelines, 2015. Collection method: clinical testing. Allele origin: germline.
Comment: The CHD7 c.8413G>A variant is predicted to result in the amino acid substitution p.Gly2805Ser. To our knowledge, this variant has not been reported in the literature. This variant is reported in 0.0027% of alleles in individuals of European (Non-Finnish) descent in gnomAD. At this time, the clinical significance of this variant is uncertain due to the absence of conclusive functional and genetic evidence.

Labcorp Genetics (formerly Invitae), Labcorp
Classification: Likely benign for CHARGE syndrome. Last evaluated: 2025-11-03. Review status: criteria provided, single submitter. Criteria: Invitae Variant Classification Sherloc (09022015). Collection method: clinical testing. Allele origin: germline.

Ambry Genetics
Classification: Uncertain significance for Inborn genetic diseases. Last evaluated: 2024-10-28. Review status: criteria provided, single submitter. Criteria: Ambry Variant Classification Scheme 2023. Collection method: clinical testing. Allele origin: germline.

Fulgent Genetics
Classification: Uncertain significance for CHD7-related CHARGE syndrome; Hypogonadotropic hypogonadism 5 with or without anosmia. Last evaluated: 2024-01-09. Review status: criteria provided, single submitter. Criteria: ACMG Guidelines, 2015. Collection method: clinical testing. Allele origin: germline.